The following is an entry in ClinVar:

ClinVar aggregate classification (germline): Uncertain significance (1 of 4 stars; one submission).

gnomAD v4.1: 1 of 1,612,132 alleles (0.000062%); no homozygotes.

Submission:

Labcorp Genetics (formerly Invitae), Labcorp
Classification: Uncertain significance. Last evaluated: 2025-03-18. Review status: criteria provided, single submitter. Criteria: Invitae Variant Classification Sherloc (09022015). Collection method: clinical testing. Allele origin: germline.
Comment: This sequence change replaces arginine, which is basic and polar, with leucine, which is neutral and non-polar, at codon 1081 of the TONSL protein (p.Arg1081Leu). This variant is not present in population databases (gnomAD no frequency). This variant has not been reported in the literature in individuals affected with TONSL-related conditions. ClinVar contains an entry for this variant (Variation ID: 1521976). Invitae Evidence Modeling of protein sequence and biophysical properties (such as structural, functional, and spatial information, amino acid conservation, physicochemical variation, residue mobility, and thermodynamic stability) has been performed for this missense variant. However, the output from this modeling did not meet the statistical confidence thresholds required to predict the impact of this variant on TONSL protein function. In summary, the available evidence is currently insufficient to determine the role of this variant in disease. Therefore, it has been classified as a Variant of Uncertain Significance.

NM_013432.5(TONSL):c.3242G>T (p.Arg1081Leu)

Gene: TONSL (tonsoku like, DNA repair protein; minus strand). Cytogenetic location: 8q24.3.
Variant type: single nucleotide variant.
Coding change: c.3242G>T on transcript NM_013432.5 (MANE Select); coding-DNA position 3242, G replaced by T.
Protein change: p.Arg1081Leu; replaces arginine 1081 with leucine.
Molecular consequence: missense variant.
Genome position (GRCh38, 1-based): chr8:144,434,123, C>A on the plus strand (G>T on the coding strand, the complement: TONSL is on the minus strand). VCF-style: chr8-144434123-C-A. GRCh37 (hg19) VCF-style: chr8-145659506-C-A.
Other names: short protein forms R1081L.
Identifiers: ClinVar variation 1521976 (VCV001521976.6), dbSNP rs782604369, ClinGen allele CA372646254.